The following is an entry in ClinVar:

NM_006009.4(TUBA1A):c.1298AGG[1] (p.Glu434del)

Gene: TUBA1A (tubulin alpha 1a; minus strand). Cytogenetic location: 12q13.12.
Variant type: Microsatellite.
Coding change: c.1298AGG[1] on transcript NM_006009.4 (MANE Select); one copy of the 3-base unit AGG starting at c.1298; the reference has two copies in a row; one copy, 3 bases deleted.
Protein change: p.Glu434del; deletes glutamic acid 434.
Molecular consequence: inframe deletion.
Genome position (GRCh38, 1-based): chr12:49,185,063-49,185,065, CCT deleted on the plus strand (AGG on the coding strand, the reverse complement: TUBA1A is on the minus strand); deleting any 3 consecutive bases within chr12:49,185,063-49,185,069 gives the same sequence; the position shown is the placement nearest the transcript's 3' end. VCF-style (leftmost placement, unchanged base first): chr12-49185062-ACCT-A. GRCh37 (hg19) VCF-style: chr12-49578845-ACCT-A.
Other names: c.1298AGG[1], p.Glu434del (NM_001270399.2); c.1193AGG[1], p.Glu399del (NM_001270400.2); short protein forms E434del, E399del.
Identifiers: ClinVar variation 437119 (VCV000437119.11), dbSNP rs1555162244, ClinGen allele CA645372915.

ClinVar aggregate classification (germline): Uncertain significance. Review status: criteria provided, multiple submitters, no conflicts (2 of 4 stars). 2 submissions from 2 submitters: Uncertain significance (2). Last evaluated 2021-04-09.

Conditions:
Lissencephaly. Also called: Lissencephaly spectrum disorders. Identifiers: Orphanet 48471, MedGen C0266463, MeSH D054082, MONDO:0018838, HP:0001339.
Polymicrogyria. Identifiers: Orphanet 35981, MedGen C0266464, MONDO:0000087, HP:0002126.
Inborn genetic diseases. Identifiers: MedGen C0950123, MeSH D030342.

Submissions (2):

Ambry Genetics
Classification: Uncertain significance for Inborn genetic diseases. Last evaluated: 2021-04-09. Review status: criteria provided, single submitter. Criteria: Ambry Variant Classification Scheme 2023. Collection method: clinical testing. Allele origin: germline.
Comment: The c.1301_1303delAGG (p.E434del) alteration is located in exon 4 (coding exon 4) of the TUBA1A gene. This alteration consists of an in-frame deletion of 3 nucleotides between nucleotide positions c.1301 and c.1303, resulting in the deletion of 1 residue. Based on data from the Genome Aggregation Database (gnomAD), the TUBA1A c.1301_1303delAGG alteration was not observed, with coverage at this position. The p.E434 amino acid is conserved in available vertebrate species. The p.E434del alteration is predicted to be deleterious with a score of -9.3 by PROVEAN in silico analysis. Based on insufficient or conflicting evidence, the clinical significance of this alteration remains unclear.

Genetic Services Laboratory, University of Chicago
Classification: Uncertain significance. Last evaluated: 2016-01-15. Review status: criteria provided, single submitter. Criteria: ACMG Guidelines, 2015. Collection method: clinical testing. Allele origin: germline. Affected: no.